The following is an entry in ClinVar:

ClinVar aggregate classification (germline): Uncertain significance (1 of 4 stars; one submission).

Allele frequency attached by ClinVar (database versions not stated): gnomAD 0.00001; ESP Exome Variant Server 0.00008.
gnomAD v4.1: 2 of 1,611,394 alleles (0.00012%); highest among the groups gnomAD compares: African/African-American, 0.0013%; no homozygotes.

Submission:

Labcorp Genetics (formerly Invitae), Labcorp
Classification: Uncertain significance. Last evaluated: 2024-10-23. Review status: criteria provided, single submitter. Criteria: Invitae Variant Classification Sherloc (09022015). Collection method: clinical testing. Allele origin: germline.
Comment: This sequence change replaces serine, which is neutral and polar, with glycine, which is neutral and non-polar, at codon 22 of the TMC1 protein (p.Ser22Gly). This variant is not present in population databases (gnomAD no frequency). This variant has not been reported in the literature in individuals affected with TMC1-related conditions. ClinVar contains an entry for this variant (Variation ID: 1428524). Invitae Evidence Modeling of protein sequence and biophysical properties (such as structural, functional, and spatial information, amino acid conservation, physicochemical variation, residue mobility, and thermodynamic stability) indicates that this missense variant is not expected to disrupt TMC1 protein function with a negative predictive value of 80%. In summary, the available evidence is currently insufficient to determine the role of this variant in disease. Therefore, it has been classified as a Variant of Uncertain Significance.

NM_138691.3(TMC1):c.64A>G (p.Ser22Gly)

Gene: TMC1 (transmembrane channel like 1; plus strand). Cytogenetic location: 9q21.13.
Variant type: single nucleotide variant.
Coding change: c.64A>G on transcript NM_138691.3 (MANE Select); coding-DNA position 64, A replaced by G.
Protein change: p.Ser22Gly; replaces serine 22 with glycine.
Molecular consequence: missense variant.
Genome position (GRCh38, 1-based): chr9:72,688,756, A>G. VCF-style: chr9-72688756-A-G. GRCh37 (hg19) VCF-style: chr9-75303672-A-G.
Other names: short protein forms S22G.
Identifiers: ClinVar variation 1428524 (VCV001428524.7), dbSNP rs144387828, ClinGen allele CA193341223.